The following is an entry in ClinVar:

ClinVar aggregate classification (germline): Uncertain significance. Review status: criteria provided, multiple submitters, no conflicts (2 of 4 stars). 3 submissions from 3 submitters: Uncertain significance (2). 1 of the submissions does not count toward it. Last evaluated 2023-02-09.

Conditions:
Inborn genetic diseases. Identifiers: MedGen C0950123, MeSH D030342.
HSD17B4-related disorder. Also called: HSD17B4-related disorders; HSD17B4-related condition.

Allele frequency attached by ClinVar (database versions not stated): ExAC 0.00001; gnomAD 0.00002; gnomAD exomes 0.00002; 1000 Genomes Project 30x 0.00016; 1000 Genomes Project 0.00020.

Submissions (3):

Ambry Genetics
Classification: Uncertain significance for Inborn genetic diseases. Last evaluated: 2023-02-09. Review status: criteria provided, single submitter. Criteria: Ambry Variant Classification Scheme 2023. Collection method: clinical testing. Allele origin: germline.

Mayo Clinic Laboratories, Mayo Clinic
Classification: Uncertain significance. Last evaluated: 2022-03-15. Review status: criteria provided, single submitter. Criteria: ACMG Guidelines, 2015. Collection method: clinical testing. Allele origin: germline. Observed: 1 variant allele.
Comment: PM2

PreventionGenetics, part of Exact Sciences
Classification: Uncertain significance for HSD17B4-related condition. Last evaluated: 2023-11-02. Review status: no assertion criteria provided. Collection method: clinical testing. Allele origin: germline. Not counted in ClinVar's aggregate classification.
Comment: The HSD17B4 c.335G>C variant is predicted to result in the amino acid substitution p.Ser112Thr. To our knowledge, this variant has not been reported in the literature. This variant is reported in 0.0080% of alleles in individuals of African descent in gnomAD. At this time, the clinical significance of this variant is uncertain due to the absence of conclusive functional and genetic evidence.

NM_000414.4(HSD17B4):c.335G>C (p.Ser112Thr)

Gene: HSD17B4 (hydroxysteroid 17-beta dehydrogenase 4; plus strand). Cytogenetic location: 5q23.1.
Variant type: single nucleotide variant.
Coding change: c.335G>C on transcript NM_000414.4 (MANE Select); coding-DNA position 335, G replaced by C.
Protein change: p.Ser112Thr; replaces serine 112 with threonine.
Molecular consequence: missense variant. On other transcripts: 5 prime UTR variant (5), non-coding transcript variant (2), intron variant (1).
Genome position (GRCh38, 1-based): chr5:119,475,856, G>C. VCF-style: chr5-119475856-G-C. GRCh37 (hg19) VCF-style: chr5-118811551-G-C.
Other names: p.Ser112Thr; c.410G>C, p.Ser137Thr (NM_001199291.3); c.281G>C, p.Ser94Thr (NM_001199292.2); c.263G>C, p.Ser88Thr (NM_001292027.2); c.-77G>C (NM_001292028.2, NM_001374501.1, NM_001374502.1 and 1 more transcripts); c.335G>C, p.Ser112Thr (NM_001374497.1, NM_001374498.1); c.-204G>C (NM_001374500.1); c.22+129G>C (NM_001374499.1); short protein forms S112T, S137T, S88T, S94T.
Identifiers: ClinVar variation 2464583 (VCV002464583.5), dbSNP rs543076437, ClinGen allele CA3381790.
Genomic context (GRCh38, chr5:119,475,856, plus strand): 5'-TTTACCCTATACAACATTGATTTTTTAGAATTCTGAGGGATCGTTCCTTTGCTAGGATAA[G>C]TGATGAAGACTGGGGTAAGTTGTTTTTAGTATTTCTCTGGGGAACATACTTATCCATTTA-3'
Protein context (NP_000405.1, residues 102-122): ILRDRSFARI[Ser112Thr]DEDWDIIHRV